The following is an entry in ClinVar:

NM_016203.4(PRKAG2):c.126C>T (p.Ser42=)

Gene: PRKAG2 (protein kinase AMP-activated non-catalytic subunit gamma 2; minus strand). Cytogenetic location: 7q36.1.
Variant type: single nucleotide variant.
Coding change: c.126C>T on transcript NM_016203.4 (MANE Select); coding-DNA position 126, C replaced by T.
Protein change: p.Ser42=; no amino-acid change (serine 42 retained).
Molecular consequence: synonymous variant. On other transcripts: 5 prime UTR variant (5), intron variant (1).
Genome position (GRCh38, 1-based): chr7:151,786,530, G>A on the plus strand (C>T on the coding strand, the complement: PRKAG2 is on the minus strand). VCF-style: chr7-151786530-G-A. GRCh37 (hg19) VCF-style: chr7-151483616-G-A.
Other names: c.-7C>T (NM_001040633.2, NM_001407024.1, NM_001407026.1 and 2 more transcripts); c.126C>T, p.Ser42= (NM_001407021.1, NM_001407022.1, NM_001407023.1 and 2 more transcripts); c.148+27886C>T (NM_001407032.1).
Identifiers: ClinVar variation 3074929 (VCV003074929.2), dbSNP rs2537961338, ClinGen allele CA458672118.
Genomic context (GRCh38, chr7:151,786,530, plus strand): 5'-CTTTCGAGAGGAATGCTTTCCGGAACCCTCCAGGTCTCCGTCCAGGAGCGGCATGGCGAA[G>A]GAGCTCAGGTCCTAGGGTGGACAGAGAGCACGTGGTCAGTGACAGTGGCCCTCGGGCCCA-3'
Protein context (NP_057287.2, residues 32-52): SLRVHIPDLS[Ser42=]FAMPLLDGDL

ClinVar aggregate classification (germline): Likely benign. Review status: criteria provided, multiple submitters, no conflicts (2 of 4 stars). 2 submissions from 2 submitters: Likely benign (2). Last evaluated 2023-12-13.

Conditions:
Hypertrophic cardiomyopathy. Also called: HYPERTROPHIC MYOCARDIOPATHY. Identifiers: Orphanet 217569, MedGen C0007194, MeSH D002312, MONDO:0005045, HP:0001639.
Cardiomyopathy (CMYO). Also called: Cardiomyopathies. Identifiers: Orphanet 167848, MedGen C0878544, MONDO:0004994, HP:0001638. Inheritance: Various modes of inheritance.

gnomAD v4.1: 1 of 1,612,760 alleles (0.000062%); no homozygotes.

Submissions (2):

All of Us Research Program, National Institutes of Health
Classification: Likely benign for Hypertrophic cardiomyopathy. Last evaluated: 2023-12-13. Review status: criteria provided, single submitter. Criteria: ACMG Guidelines, 2015. Collection method: clinical testing. Allele origin: germline. Inheritance: Autosomal dominant inheritance. Observed: 1 variant allele, 1 heterozygote.
Comment: This study involves interpretation of variants in research participants for the purpose of population health screening. Participant phenotype was not available at the time of variant classification. Additional details can be found in publication PMID: 35346344, PMCID: PMC8962531

Color Diagnostics, LLC DBA Color Health
Classification: Likely benign for Cardiomyopathy. Last evaluated: 2023-11-15. Review status: criteria provided, single submitter. Criteria: ACMG Guidelines, 2015. Collection method: clinical testing. Allele origin: germline.